The following is an entry in ClinVar:

ClinVar aggregate classification (germline): Conflicting classifications of pathogenicity. Review status: criteria provided, conflicting classifications (1 of 4 stars). 6 submissions from 6 submitters: Pathogenic (1); Uncertain significance (3); VUS-high (1); Likely benign (1). Last evaluated 2026-03-05.

Conditions:
TTN-related disorder. Also called: TTN-related condition; TTN-related disease; TTN-related disorders.
Autosomal recessive titinopathy. Identifiers: MedGen CN315649, MONDO:0100493.
Early-onset myopathy with fatal cardiomyopathy (CMYO5). Also called: Salih Myopathy; CONGENITAL MYOPATHY 5 WITH CARDIOMYOPATHY. Identifiers: Orphanet 289377, MedGen C2673677, MONDO:0012714, OMIM 611705. Disease mechanism: loss of function.

Allele frequency attached by ClinVar (database versions not stated): ExAC 0.00002; gnomAD exomes 0.00002 and 0.00004; TOPMed 0.00002; gnomAD 0.00003; ESP Exome Variant Server 0.00017.
gnomAD v4.1: 56 of 1,613,688 alleles (0.0035%); highest among the groups gnomAD compares: Non-Finnish European, 0.0046%; no homozygotes.

Submissions (6):

Mendelics
Classification: Pathogenic for Early-onset myopathy with fatal cardiomyopathy. Last evaluated: 2026-03-05. Review status: criteria provided, single submitter. Criteria: ACMG Guidelines, 2015. Collection method: clinical testing. Allele origin: unknown.
Comment: Likely pathogenic/Pathogenic according to ACMG criteria.

Myofin, Folkhalsan Research Center
Classification: VUS-high for Autosomal recessive titinopathy. Last evaluated: 2026-02-06. Review status: criteria provided, single submitter. Criteria: ACMG Guidelines, 2015. Collection method: research. Allele origin: germline. Affected: yes.
Comment: The variant is rare in population databases (MAF 0.00003470 in gnomAD; no homozygotes reported) and has a high deleterious computational prediction (AlphaMissense 0.8590). Given limited case-level evidence and lack of robust variant-level functional/replication data, we classify this variant as Uncertain significance (VUS-high) for recessive titinopathy

PreventionGenetics, part of Exact Sciences
Classification: Uncertain significance for TTN-related condition. Last evaluated: 2025-11-24. Review status: criteria provided, single submitter. Criteria: ACMG Guidelines, 2015. Collection method: clinical testing. Allele origin: germline.
Comment: The TTN c.14588G>A variant is predicted to result in the amino acid substitution p.Gly4863Glu. To our knowledge, this variant has not been reported in the literature. This variant is reported in 0.0053% of alleles in individuals of European (Non-Finnish) descent in gnomAD. At this time, the clinical significance of this variant is uncertain due to the absence of conclusive functional and genetic evidence.

CeGaT Center for Human Genetics Tuebingen
Classification: Uncertain significance. Last evaluated: 2023-01-01. Review status: criteria provided, single submitter. Criteria: CeGaT Center For Human Genetics Tuebingen Variant Classification Criteria Version 2. Collection method: clinical testing. Allele origin: germline. Affected: yes. Observed: 1 variant allele.
Comment: TTN: PM2, PM3:Supporting

GeneDx
Classification: Likely benign. Last evaluated: 2018-12-05. Review status: criteria provided, single submitter. Criteria: GeneDx Variant Classification Process June 2021. Collection method: clinical testing. Allele origin: germline. Affected: yes.

Eurofins Ntd Llc (ga)
Classification: Uncertain significance. Last evaluated: 2016-06-21. Review status: criteria provided, single submitter. Criteria: EGL Classification Definitions 2015. Collection method: clinical testing. Allele origin: germline. Observed: 1 variant allele, 1 heterozygote.

Literature cited by the submitters: DOI 10.1101/2025.07.17.25331111 (cited by Myofin, Folkhalsan Research Center).

NM_001267550.2(TTN):c.14588G>A (p.Gly4863Glu)

Gene: TTN (titin; minus strand). Cytogenetic location: 2q31.2.
Variant type: single nucleotide variant.
Coding change: c.14588G>A on transcript NM_001267550.2 (MANE Select); coding-DNA position 14588, G replaced by A.
Protein change: p.Gly4863Glu; replaces glycine 4863 with glutamic acid.
Molecular consequence: missense variant. On other transcripts: intron variant (3).
Genome position (GRCh38, 1-based): chr2:178,735,858, C>T on the plus strand (G>A on the coding strand, the complement: TTN is on the minus strand). VCF-style: chr2-178735858-C-T. GRCh37 (hg19) VCF-style: chr2-179600585-C-T.
Other names: p.G4546E:GGA>GAA; c.13637G>A, p.Gly4546Glu (NM_001256850.1); c.10856G>A, p.Gly3619Glu (NM_133378.4); c.13282+2224G>A (NM_003319.4); c.13858+2224G>A (NM_133437.4); c.13657+2224G>A (NM_133432.3); short protein forms G4863E, G4546E, G3619E.
Identifiers: ClinVar variation 197577 (VCV000197577.39), dbSNP rs375680312, ClinGen allele CA303005.